The following is an entry in ClinVar:

NM_002880.4(RAF1):c.183C>G (p.Phe61Leu)

Gene: RAF1 (Raf-1 proto-oncogene, serine/threonine kinase; minus strand). Cytogenetic location: 3p25.2.
Variant type: single nucleotide variant.
Coding change: c.183C>G on transcript NM_002880.4 (MANE Select); coding-DNA position 183, C replaced by G.
Protein change: p.Phe61Leu; replaces phenylalanine 61 with leucine.
Molecular consequence: missense variant. On other transcripts: non-coding transcript variant (3).
Genome position (GRCh38, 1-based): chr3:12,618,539, G>C on the plus strand (C>G on the coding strand, the complement: RAF1 is on the minus strand). VCF-style: chr3-12618539-G-C. GRCh37 (hg19) VCF-style: chr3-12660038-G-C.
Other names: c.183C>G, p.Phe61Leu (NM_001354689.3, NM_001354690.3, NM_001354693.3); c.53C>G, p.Ser18Cys (NM_001354691.3, NM_001354692.3, NM_001354694.3 and 1 more transcripts); short protein forms F61L, S18C.
Identifiers: ClinVar variation 1800593 (VCV001800593.6), dbSNP rs2470446547, ClinGen allele CA351484901.

ClinVar aggregate classification (germline): Uncertain significance. Review status: criteria provided, multiple submitters, no conflicts (2 of 4 stars). 2 submissions from 2 submitters: Uncertain significance (2). Last evaluated 2022-05-16.

Conditions:
RASopathy. Also called: Noonan spectrum disorder; rasopathies. Identifiers: Orphanet 536391, MedGen C5555857, MONDO:0021060.

Allele frequency attached by ClinVar (database versions not stated): gnomAD exomes below 0.00001.
gnomAD v4.1: 1 of 1,614,214 alleles (0.000062%); highest among the groups gnomAD compares: Non-Finnish European, 0.000085%; no homozygotes.

Submissions (2):

GeneDx
Classification: Uncertain significance. Last evaluated: 2022-05-16. Review status: criteria provided, single submitter. Criteria: GeneDx Variant Classification Process June 2021. Collection method: clinical testing. Allele origin: germline. Affected: yes.
Comment: Not observed at significant frequency in large population cohorts (gnomAD); Missense variants in this gene are often considered pathogenic (HGMD); In silico analysis supports that this missense variant has a deleterious effect on protein structure/function; Has not been previously published as pathogenic or benign to our knowledge

Labcorp Genetics (formerly Invitae), Labcorp
Classification: Uncertain significance for RASopathy. Last evaluated: 2022-05-07. Review status: criteria provided, single submitter. Criteria: Invitae Variant Classification Sherloc (09022015). Collection method: clinical testing. Allele origin: germline.
Comment: In summary, the available evidence is currently insufficient to determine the role of this variant in disease. Therefore, it has been classified as a Variant of Uncertain Significance. Algorithms developed to predict the effect of missense changes on protein structure and function (SIFT, PolyPhen-2, Align-GVGD) all suggest that this variant is likely to be tolerated. This variant has not been reported in the literature in individuals affected with RAF1-related conditions. This variant is not present in population databases (gnomAD no frequency). This sequence change replaces phenylalanine, which is neutral and non-polar, with leucine, which is neutral and non-polar, at codon 61 of the RAF1 protein (p.Phe61Leu).